The following is an entry in ClinVar:

ClinVar aggregate classification (germline): Likely pathogenic. Review status: criteria provided, multiple submitters, no conflicts (2 of 4 stars). 2 submissions from 2 submitters: Likely pathogenic (2). Last evaluated 2025-06-25.

Conditions:
Hereditary acrodermatitis enteropathica (AEZ). Also called: Acrodermatitis enteropathica. Identifiers: Orphanet 37, MedGen C0221036, MONDO:0008713, OMIM 201100.

Allele frequency attached by ClinVar (database versions not stated): gnomAD exomes below 0.00001 and 0.00002; TOPMed 0.00002; ExAC 0.00003.
gnomAD v4.1: 6 of 1,600,616 alleles (0.00037%); highest among the groups gnomAD compares: Non-Finnish European, 0.00042%; no homozygotes.

Submissions (2):

Natera, Inc.
Classification: Likely pathogenic for Acrodermatitis enteropathica. Last evaluated: 2025-06-25. Review status: criteria provided, single submitter. Criteria: Natera Variant Classification Schema (03/2026). Collection method: clinical testing. Allele origin: germline.
Comment: The c.193-2A>G variant in SLC39A4 is a canonical splice acceptor site variant predicted to affect pre-mRNA splicing, which may result in an abnormal transcript and altered protein product. This variant is expected to result in nonsense mediated decay, truncation, or a dysfunctional protein product. This variant is rare in the general population with a frequency below the threshold expected for the associated phenotype(s). Given the available evidence, this variant is classified as Likely Pathogenic.

Labcorp Genetics (formerly Invitae), Labcorp
Classification: Likely pathogenic. Last evaluated: 2023-10-28. Review status: criteria provided, single submitter. Criteria: Invitae Variant Classification Sherloc (09022015). Collection method: clinical testing. Allele origin: germline.
Comment: This sequence change affects an acceptor splice site in intron 1 of the SLC39A4 gene. It is expected to disrupt RNA splicing. Variants that disrupt the donor or acceptor splice site typically lead to a loss of protein function (PMID: 16199547), and loss-of-function variants in SLC39A4 are known to be pathogenic (PMID: 12955721). This variant is present in population databases (rs782198269, gnomAD 0.005%). This variant has not been reported in the literature in individuals affected with SLC39A4-related conditions. ClinVar contains an entry for this variant (Variation ID: 1470463). Algorithms developed to predict the effect of sequence changes on RNA splicing suggest that this variant may disrupt the consensus splice site. In summary, the currently available evidence indicates that the variant is pathogenic, but additional data are needed to prove that conclusively. Therefore, this variant has been classified as Likely Pathogenic.

Literature cited by the submitters: PubMed 16199547 (cited by Labcorp Genetics (formerly Invitae), Labcorp); PubMed 12955721 (cited by Labcorp Genetics (formerly Invitae), Labcorp).

NM_130849.4(SLC39A4):c.193-2A>G

Gene: SLC39A4 (solute carrier family 39 member 4; minus strand). Cytogenetic location: 8q24.3.
Variant type: single nucleotide variant.
Coding change: c.193-2A>G on transcript NM_130849.4 (MANE Select); the canonical splice acceptor site of the intron before coding-DNA position 193, A replaced by G.
Molecular consequence: splice acceptor variant. On other transcripts: missense variant (1), intron variant (1).
Genome position (GRCh38, 1-based): chr8:144,416,093, T>C on the plus strand (A>G on the coding strand, the complement: SLC39A4 is on the minus strand). VCF-style: chr8-144416093-T-C. GRCh37 (hg19) VCF-style: chr8-145641477-T-C.
Other names: c.116A>G, p.Gln39Arg (NM_017767.3); c.192+505A>G (NM_001374839.1); c.193-2A>G (NM_130849.3); short protein forms Q39R.
Identifiers: ClinVar variation 1470463 (VCV001470463.7), dbSNP rs782198269, ClinGen allele CA4941773.
Genomic context (GRCh38, chr8:144,416,093, plus strand): 5'-GGGGGCAGCCCTGACCCCTCAGGCTCGCCCAGGCCCAGGGCGTCCTCCACAGACAGGCAC[T>C]GTGGGCAGAGACAAGTGAGCAGGGGCGCTGGGCCCACCAGGGAGGGGAGAGGCAGGCCTG-3'